The following is an entry in ClinVar:

NM_006412.4(AGPAT2):c.241C>T (p.Arg81Trp)

Gene: AGPAT2 (1-acylglycerol-3-phosphate O-acyltransferase 2; minus strand). Cytogenetic location: 9q34.3.
Variant type: single nucleotide variant.
Coding change: c.241C>T on transcript NM_006412.4 (MANE Select); coding-DNA position 241, C replaced by T.
Protein change: p.Arg81Trp; replaces arginine 81 with tryptophan.
Molecular consequence: missense variant.
Genome position (GRCh38, 1-based): chr9:136,677,498, G>A on the plus strand (C>T on the coding strand, the complement: AGPAT2 is on the minus strand). VCF-style: chr9-136677498-G-A. GRCh37 (hg19) VCF-style: chr9-139571950-G-A.
Other names: c.241C>T, p.Arg81Trp (NM_001012727.2); short protein forms R81W.
Identifiers: ClinVar variation 1900173 (VCV001900173.3), dbSNP rs534706099, ClinGen allele CA5343098.

ClinVar aggregate classification (germline): Uncertain significance (1 of 4 stars; one submission).

Allele frequency attached by ClinVar (database versions not stated): TOPMed 0.00002; ExAC 0.00003; gnomAD 0.00003; 1000 Genomes Project 30x 0.00016; 1000 Genomes Project 0.00020.
gnomAD v4.1: 38 of 1,613,030 alleles (0.0024%); highest among the groups gnomAD compares: Middle Eastern, 0.066%; no homozygotes.

Submission:

Labcorp Genetics (formerly Invitae), Labcorp
Classification: Uncertain significance. Last evaluated: 2022-11-01. Review status: criteria provided, single submitter. Criteria: Invitae Variant Classification Sherloc (09022015). Collection method: clinical testing. Allele origin: germline.
Comment: In summary, the available evidence is currently insufficient to determine the role of this variant in disease. Therefore, it has been classified as a Variant of Uncertain Significance. Advanced modeling of protein sequence and biophysical properties (such as structural, functional, and spatial information, amino acid conservation, physicochemical variation, residue mobility, and thermodynamic stability) performed at Invitae indicates that this missense variant is not expected to disrupt AGPAT2 protein function. This variant has not been reported in the literature in individuals affected with AGPAT2-related conditions. This variant is present in population databases (rs534706099, gnomAD 0.005%). This sequence change replaces arginine, which is basic and polar, with tryptophan, which is neutral and slightly polar, at codon 81 of the AGPAT2 protein (p.Arg81Trp).